The following is an entry in ClinVar:

ClinVar aggregate classification (germline): Benign. Review status: criteria provided, multiple submitters, no conflicts (2 of 4 stars). 6 submissions from 6 submitters: Benign (5). 1 of the submissions does not count toward it. Last evaluated 2026-02-04.

Conditions:
CCDC88C-related disorder. Also called: CCDC88C-Related Disorders; CCDC88C-related condition.

Allele frequency attached by ClinVar (database versions not stated): gnomAD 0.01848; TOPMed 0.01860; ESP Exome Variant Server 0.01870; 1000 Genomes Project 0.01897; 1000 Genomes Project 30x 0.02061.
gnomAD v4.1: 5,309 of 1,608,956 alleles (0.33%); highest among the groups gnomAD compares: African/African-American, 6.2%; 139 homozygotes.

Submissions (6):

Labcorp Genetics (formerly Invitae), Labcorp
Classification: Benign. Last evaluated: 2026-02-04. Review status: criteria provided, single submitter. Criteria: Invitae Variant Classification Sherloc (09022015). Collection method: clinical testing. Allele origin: germline.

Mayo Clinic Laboratories, Mayo Clinic
Classification: Benign. Last evaluated: 2024-03-30. Review status: criteria provided, single submitter. Criteria: ACMG Guidelines, 2015. Collection method: clinical testing. Allele origin: germline. Observed: 3 variant alleles.

GeneDx
Classification: Benign. Last evaluated: 2021-05-05. Review status: criteria provided, single submitter. Criteria: GeneDx Variant Classification Process June 2021. Collection method: clinical testing. Allele origin: germline. Affected: yes.

Genetic Services Laboratory, University of Chicago
Classification: Benign. Last evaluated: 2013-04-08. Review status: criteria provided, single submitter. Criteria: ACMG Guidelines, 2007. Collection method: clinical testing. Allele origin: germline. Inheritance: Autosomal recessive inheritance.

Breakthrough Genomics
Classification: Benign. Review status: criteria provided, single submitter. Criteria: ACMG Guidelines, 2015. Collection method: not provided. Allele origin: germline. Inheritance: Autosomal recessive inheritance. Affected: yes.

PreventionGenetics, part of Exact Sciences
Classification: Benign for CCDC88C-related condition. Last evaluated: 2019-06-19. Review status: no assertion criteria provided. Collection method: clinical testing. Allele origin: germline. Not counted in ClinVar's aggregate classification.
Comment: This variant is classified as benign based on ACMG/AMP sequence variant interpretation guidelines (Richards et al. 2015 PMID: 25741868, with internal and published modifications).

NM_001080414.4(CCDC88C):c.3393G>T (p.Ala1131=)

Gene: CCDC88C (coiled-coil and HOOK domain protein 88C; minus strand). Cytogenetic location: 14q32.11.
Variant type: single nucleotide variant.
Coding change: c.3393G>T on transcript NM_001080414.4 (MANE Select); coding-DNA position 3393, G replaced by T.
Protein change: p.Ala1131=; no amino-acid change (alanine 1131 retained).
Molecular consequence: synonymous variant.
Genome position (GRCh38, 1-based): chr14:91,303,943, C>A on the plus strand (G>T on the coding strand, the complement: CCDC88C is on the minus strand). VCF-style: chr14-91303943-C-A. GRCh37 (hg19) VCF-style: chr14-91770287-C-A.
Other names: p.Ala1131=.
Identifiers: ClinVar variation 158108 (VCV000158108.19), dbSNP rs73336474, ClinGen allele CA171526.